The following is an entry in ClinVar:

NM_198253.3(TERT):c.2279A>G (p.Lys760Arg)

Gene: TERT (telomerase reverse transcriptase; minus strand). Cytogenetic location: 5p15.33.
Variant type: single nucleotide variant.
Coding change: c.2279A>G on transcript NM_198253.3 (MANE Select); coding-DNA position 2279, A replaced by G.
Protein change: p.Lys760Arg; replaces lysine 760 with arginine.
Molecular consequence: missense variant. On other transcripts: non-coding transcript variant (2).
Genome position (GRCh38, 1-based): chr5:1,278,648, T>C on the plus strand (A>G on the coding strand, the complement: TERT is on the minus strand). VCF-style: chr5-1278648-T-C. GRCh37 (hg19) VCF-style: chr5-1278763-T-C.
Other names: c.2279A>G, p.Lys760Arg (NM_001193376.3); short protein forms K760R.
Identifiers: ClinVar variation 4561883 (VCV004561883.1).

ClinVar aggregate classification (germline): Uncertain significance (1 of 4 stars; one submission).

Conditions:
Dyskeratosis congenita. Identifiers: Orphanet 1775, MedGen C0265965, MONDO:0015780.

gnomAD v4.1: 1 of 1,614,144 alleles (0.000062%); highest among the groups gnomAD compares: South Asian, 0.0011%; no homozygotes.

Submission:

Ambry Genetics
Classification: Uncertain significance for Dyskeratosis congenita. Last evaluated: 2025-11-19. Review status: criteria provided, single submitter. Criteria: Ambry Variant Classification Scheme 2023. Collection method: clinical testing. Allele origin: germline.
Comment: The p.K760R variant (also known as c.2279A>G), located in coding exon 6 of the TERT gene, results from an A to G substitution at nucleotide position 2279. The lysine at codon 760 is replaced by arginine, an amino acid with highly similar properties. This amino acid position is conserved. In addition, this alteration is predicted to be tolerated by in silico analysis. Based on the available evidence, the clinical significance of this variant remains unclear.